The following is an entry in ClinVar:

NM_020778.5(ALPK3):c.5104C>G (p.Gln1702Glu)

Gene: ALPK3 (alpha kinase 3; plus strand). Cytogenetic location: 15q25.3.
Variant type: single nucleotide variant.
Coding change: c.5104C>G on transcript NM_020778.5 (MANE Select); coding-DNA position 5104, C replaced by G.
Protein change: p.Gln1702Glu; replaces glutamine 1702 with glutamic acid.
Molecular consequence: missense variant.
Genome position (GRCh38, 1-based): chr15:84,868,442, C>G. VCF-style: chr15-84868442-C-G. GRCh37 (hg19) VCF-style: chr15-85411673-C-G.
Other names: short protein forms Q1702E.
Identifiers: ClinVar variation 1749238 (VCV001749238.2), dbSNP rs1265604910, ClinGen allele CA393366516.

ClinVar aggregate classification (germline): Uncertain significance (1 of 4 stars; one submission).

Conditions:
Cardiovascular phenotype. Identifiers: MedGen CN230736.

Submission:

Ambry Genetics
Classification: Uncertain significance for Cardiovascular phenotype. Last evaluated: 2023-11-11. Review status: criteria provided, single submitter. Criteria: Ambry Variant Classification Scheme 2023. Collection method: clinical testing. Allele origin: germline.
Comment: The p.Q1904E variant (also known as c.5710C>G), located in coding exon 14 of the ALPK3 gene, results from a C to G substitution at nucleotide position 5710. The glutamine at codon 1904 is replaced by glutamic acid, an amino acid with highly similar properties. This amino acid position is conserved. In addition, this alteration is predicted to be tolerated by in silico analysis. Since supporting evidence is limited at this time, the clinical significance of this alteration remains unclear.